The following is an entry in ClinVar:

NM_000369.5(TSHR):c.1906T>G (p.Cys636Gly)

Genes: TSHR (thyroid stimulating hormone receptor; plus strand), TSHR-AS1 (TSHR antisense RNA 1; minus strand). Cytogenetic location: 14q31.1.
Variant type: single nucleotide variant.
Coding change: c.1906T>G on transcript NM_000369.5 (MANE Select); coding-DNA position 1906, T replaced by G.
Protein change: p.Cys636Gly; replaces cysteine 636 with glycine.
Molecular consequence: missense variant.
Genome position (GRCh38, 1-based): chr14:81,143,964, T>G. VCF-style: chr14-81143964-T-G. GRCh37 (hg19) VCF-style: chr14-81610308-T-G.
Other names: short protein forms C636G.
Identifiers: ClinVar variation 1050149 (VCV001050149.2), dbSNP rs1891823429, ClinGen allele CA390728877.

ClinVar aggregate classification (germline): Uncertain significance. Review status: criteria provided, single submitter (1 of 4 stars). 2 submissions from 2 submitters: Uncertain significance (1). 1 of the submissions does not count toward it. Last evaluated 2024-04-04.

Allele frequency attached by ClinVar (database versions not stated): TOPMed 0.00002.
gnomAD v4.1: 3 of 1,614,242 alleles (0.00019%); 1 homozygote.

Submissions (2):

Women's Health and Genetics/Laboratory Corporation of America, LabCorp
Classification: Uncertain significance. Last evaluated: 2024-04-04. Review status: criteria provided, single submitter. Criteria: LabCorp Variant Classification Summary - May 2015. Collection method: clinical testing. Allele origin: germline.

Department of Pathology and Laboratory Medicine, Sinai Health System
Classification: Uncertain significance. Review status: no assertion criteria provided. Collection method: clinical testing. Allele origin: unknown. Affected: yes. Study: The Canadian Open Genetics Repository (COGR). Not counted in ClinVar's aggregate classification.
Comment: The TSHR p.Cys636Gly variant was not identified in the literature nor was it identified in dbSNP, ClinVar, Cosmic, LOVD 3.0 or in the following control databases: the 1000 Genomes Project, the NHLBI GO Exome Sequencing Project, the Exome Aggregation Consortium (August 8th 2016), or the Genome Aggregation Database (Feb 27, 2017).The Cys636 residue is location in the conserved transmembrane helix 6 region and functional studies of other residues at the location show abnormal protien function (Biebermann_2012_PMID:22112806). The p.Cys636 residue is conserved across mammals and other organisms, and four out of five computational analyses (PolyPhen-2, SIFT, BLOSUM, MutationTaster) suggest that the variant may impact the protein; however, this information is not predictive enough to assume pathogenicity. The variant occurs outside of the splicing consensus sequence however 3 of 4 in silico or computational prediction software programs (SpliceSiteFinder, MaxEntScan, NNSPLICE) predict a greater than 10% difference in splicing and the creation of a new 3' splice site. However, this information is not predictive enough to assume pathogenicity. In summary, based on the above information the clinical significance of this variant cannot be determined with certainty at this time. This variant is classified as a variant of uncertain significance.